The following is an entry in ClinVar:

ClinVar aggregate classification (germline): Uncertain significance. Review status: criteria provided, multiple submitters, no conflicts (2 of 4 stars). 2 submissions from 2 submitters: Uncertain significance (2). Last evaluated 2025-03-31.

Conditions:
Inborn genetic diseases. Identifiers: MedGen C0950123, MeSH D030342.

gnomAD v4.1: 6 of 1,611,504 alleles (0.00037%); highest among the groups gnomAD compares: Middle Eastern, 0.016%; no homozygotes.

Submissions (2):

Ambry Genetics
Classification: Uncertain significance for Inborn genetic diseases. Last evaluated: 2025-03-31. Review status: criteria provided, single submitter. Criteria: Ambry Variant Classification Scheme 2023. Collection method: clinical testing. Allele origin: germline.

GeneDx
Classification: Uncertain significance. Last evaluated: 2024-07-26. Review status: criteria provided, single submitter. Criteria: GeneDx Variant Classification Process June 2021. Collection method: clinical testing. Allele origin: germline. Affected: yes.
Comment: Not observed at significant frequency in large population cohorts (gnomAD); In silico analysis indicates that this missense variant does not alter protein structure/function; Has not been previously published as pathogenic or benign to our knowledge

NM_145331.3(MAP3K7):c.1040G>A (p.Arg347His)

Gene: MAP3K7 (mitogen-activated protein kinase kinase kinase 7; minus strand). Cytogenetic location: 6q15.
Variant type: single nucleotide variant.
Coding change: c.1040G>A on transcript NM_145331.3 (MANE Select); coding-DNA position 1040, G replaced by A.
Protein change: p.Arg347His; replaces arginine 347 with histidine.
Molecular consequence: missense variant.
Genome position (GRCh38, 1-based): chr6:90,548,087, C>T on the plus strand (G>A on the coding strand, the complement: MAP3K7 is on the minus strand). VCF-style: chr6-90548087-C-T. GRCh37 (hg19) VCF-style: chr6-91257806-C-T.
Other names: c.1040G>A, p.Arg347His (NM_003188.4, NM_145332.3, NM_145333.3); c.1040G>A (NM_145331.1); short protein forms R347H.
Identifiers: ClinVar variation 3602384 (VCV003602384.2).